The following is an entry in ClinVar:

NM_002047.4(GARS1):c.28A>G (p.Arg10Gly)

Gene: GARS1 (glycyl-tRNA synthetase 1; plus strand). Cytogenetic location: 7p14.3.
Variant type: single nucleotide variant.
Coding change: c.28A>G on transcript NM_002047.4 (MANE Select); coding-DNA position 28, A replaced by G.
Protein change: p.Arg10Gly; replaces arginine 10 with glycine.
Molecular consequence: missense variant. On other transcripts: 5 prime UTR variant (1).
Genome position (GRCh38, 1-based): chr7:30,594,949, A>G. VCF-style: chr7-30594949-A-G. GRCh37 (hg19) VCF-style: chr7-30634565-A-G.
Other names: c.-135A>G (NM_001316772.1); short protein forms R10G.
Identifiers: ClinVar variation 3005091 (VCV003005091.3), dbSNP rs955394532, ClinGen allele CA156096250.

ClinVar aggregate classification (germline): Uncertain significance (1 of 4 stars; one submission).

Conditions:
Charcot-Marie-Tooth disease type 2. Also called: Charcot-Marie-Tooth type 2. Identifiers: Orphanet 64746, MedGen C0270914, MONDO:0018993.

Allele frequency attached by ClinVar (database versions not stated): gnomAD 0.00001; TOPMed 0.00001.

Submission:

Labcorp Genetics (formerly Invitae), Labcorp
Classification: Uncertain significance for Charcot-Marie-Tooth disease type 2. Last evaluated: 2023-10-12. Review status: criteria provided, single submitter. Criteria: Invitae Variant Classification Sherloc (09022015). Collection method: clinical testing. Allele origin: germline.
Comment: This sequence change replaces arginine, which is basic and polar, with glycine, which is neutral and non-polar, at codon 10 of the GARS protein (p.Arg10Gly). This variant is not present in population databases (gnomAD no frequency). This variant has not been reported in the literature in individuals affected with GARS-related conditions. Advanced modeling of protein sequence and biophysical properties (such as structural, functional, and spatial information, amino acid conservation, physicochemical variation, residue mobility, and thermodynamic stability) performed at Invitae indicates that this missense variant is not expected to disrupt GARS protein function. In summary, the available evidence is currently insufficient to determine the role of this variant in disease. Therefore, it has been classified as a Variant of Uncertain Significance.